The following is an entry in ClinVar:

ClinVar aggregate classification (germline): Uncertain significance (1 of 4 stars; one submission).

Submission:

Labcorp Genetics (formerly Invitae), Labcorp
Classification: Uncertain significance. Last evaluated: 2020-08-20. Review status: criteria provided, single submitter. Criteria: Invitae Variant Classification Sherloc (09022015). Collection method: clinical testing. Allele origin: germline.
Comment: In summary, the available evidence is currently insufficient to determine the role of this variant in disease. Therefore, it has been classified as a Variant of Uncertain Significance. This sequence change falls in intron 4 of the COL4A5 gene. It does not directly change the encoded amino acid sequence of the COL4A5 protein, but it affects a nucleotide within the consensus splice site of the intron. This variant is not present in population databases (ExAC no frequency). This variant has been observed in individual(s) with clinical features of Alport syndrome (Invitae). It has also been observed to segregate with disease in related individuals. Algorithms developed to predict the effect of sequence changes on RNA splicing suggest that this variant may disrupt the consensus splice site, but this prediction has not been confirmed by published transcriptional studies.

NM_033380.3(COL4A5):c.276+4_276+7del

Gene: COL4A5 (collagen type IV alpha 5 chain; plus strand). Cytogenetic location: Xq22.3.
Variant type: Microsatellite.
Coding change: c.276+4_276+7del on transcript NM_033380.3 (MANE Select); bases 4 to 7 of the intron after coding-DNA position 276, 4 bases deleted (AGTA; older notation c.276+4_276+7delAGTA).
Molecular consequence: splice donor variant.
Genome position (GRCh38, 1-based): chrX:108,563,930-108,563,933, AGTA deleted; deleting any 4 consecutive bases within chrX:108,563,926-108,563,933 gives the same sequence; the c. name uses the placement nearest the transcript's 3' end. VCF-style (leftmost placement, unchanged base first): chrX-108563925-GAGTA-G. GRCh37 (hg19) VCF-style: chrX-107807155-GAGTA-G.
Other names: c.276+4_276+7del (NM_000495.5).
Identifiers: ClinVar variation 1057041 (VCV001057041.9), dbSNP rs2147734917, ClinGen allele CA2580612279.
Genomic context (GRCh38, chrX:108,563,925, plus strand): 5'-AATATTGCATTTTTCAGGGTGATGATGGAATTCCAGGGCCACCAGGACCAAAAGGAATCA[GAGTA>G]AGTAGTATTTTCTCTATATCAAATACTTTGTTGGTGGAAACAGATAGAGAACAAATGAAG-3'